The following is an entry in ClinVar:

NM_005984.5(SLC25A1):c.550C>T (p.Leu184Phe)

Gene: SLC25A1 (solute carrier family 25 member 1; minus strand). Cytogenetic location: 22q11.21.
Variant type: single nucleotide variant.
Coding change: c.550C>T on transcript NM_005984.5 (MANE Select); coding-DNA position 550, C replaced by T.
Protein change: p.Leu184Phe; replaces leucine 184 with phenylalanine.
Molecular consequence: missense variant. On other transcripts: non-coding transcript variant (1).
Genome position (GRCh38, 1-based): chr22:19,176,927, G>A on the plus strand (C>T on the coding strand, the complement: SLC25A1 is on the minus strand). VCF-style: chr22-19176927-G-A. GRCh37 (hg19) VCF-style: chr22-19164440-G-A.
Other names: c.571C>T, p.Leu191Phe (NM_001256534.2); c.241C>T, p.Leu81Phe (NM_001287387.2); short protein forms L184F, L191F, L81F.
Identifiers: ClinVar variation 1517715 (VCV001517715.6), dbSNP rs199588991, ClinGen allele CA10097389.

ClinVar aggregate classification (germline): Uncertain significance (1 of 4 stars; one submission).

Allele frequency attached by ClinVar (database versions not stated): ExAC 0.00002; gnomAD 0.00006 and 0.00007; gnomAD exomes 0.00006 and 0.00011; TOPMed 0.00008.
gnomAD v4.1: 171 of 1,613,538 alleles (0.011%); highest among the groups gnomAD compares: Non-Finnish European, 0.013%; no homozygotes.

Submission:

Labcorp Genetics (formerly Invitae), Labcorp
Classification: Uncertain significance. Last evaluated: 2025-05-18. Review status: criteria provided, single submitter. Criteria: Invitae Variant Classification Sherloc (09022015). Collection method: clinical testing. Allele origin: germline.
Comment: This sequence change replaces leucine, which is neutral and non-polar, with phenylalanine, which is neutral and non-polar, at codon 184 of the SLC25A1 protein (p.Leu184Phe). This variant is present in population databases (rs199588991, gnomAD 0.01%). This variant has not been reported in the literature in individuals affected with SLC25A1-related conditions. ClinVar contains an entry for this variant (Variation ID: 1517715). Invitae Evidence Modeling of protein sequence and biophysical properties (such as structural, functional, and spatial information, amino acid conservation, physicochemical variation, residue mobility, and thermodynamic stability) indicates that this missense variant is not expected to disrupt SLC25A1 protein function with a negative predictive value of 80%. In summary, the available evidence is currently insufficient to determine the role of this variant in disease. Therefore, it has been classified as a Variant of Uncertain Significance.